The following is an entry in ClinVar:

ClinVar aggregate classification (germline): Uncertain significance. Review status: criteria provided, single submitter (1 of 4 stars). 2 submissions from 2 submitters: Uncertain significance (1). 1 of the submissions does not count toward it. Last evaluated 2022-12-01.

Conditions:
Tuberous sclerosis syndrome (TSC). Also called: Tuberous Sclerosis Complex; Tuberous sclerosis. Identifiers: Orphanet 805, MedGen C0041341, MONDO:0001734.

Submissions (2):

GeneDx
Classification: Uncertain significance. Last evaluated: 2022-12-01. Review status: criteria provided, single submitter. Criteria: GeneDx Variant Classification Process June 2021. Collection method: clinical testing. Allele origin: germline. Affected: yes.
Comment: Also known as IVS7-3C>G; In silico analysis supports a deleterious effect on splicing; Not observed at significant frequency in large population cohorts (gnomAD); This variant is associated with the following publications: (PMID: 28643795, 32461669)

Tuberous sclerosis database (TSC2)
No classification provided. Condition: TSC. Review status: no classification provided. Criteria: Tuberous Sclerosis Database Assertion Criteria 2015. Collection method: curation. Allele origin: germline. Affected: yes. Not counted in ClinVar's aggregate classification.

NM_000548.5(TSC2):c.775-3C>G

Gene: TSC2 (TSC complex subunit 2; plus strand). Cytogenetic location: 16p13.3.
Variant type: single nucleotide variant.
Coding change: c.775-3C>G on transcript NM_000548.5 (MANE Select); 3 bases into the intron before coding-DNA position 775, C replaced by G.
Molecular consequence: intron variant.
Genome position (GRCh38, 1-based): chr16:2,057,102, C>G. VCF-style: chr16-2057102-C-G. GRCh37 (hg19) VCF-style: chr16-2107103-C-G.
Other names: c.775-3C>G (NM_001114382.3, NM_021055.3, NM_001370405.1 and 3 more transcripts); c.664-3C>G (NM_001318827.2); c.175-3C>G (NM_001318831.2); c.628-3C>G (NM_001318829.2); c.808-3C>G (NM_001318832.2).
Identifiers: ClinVar variation 64883 (VCV000064883.3), dbSNP rs397514909, ClinGen allele CA022969.